The following is an entry in ClinVar:

ClinVar aggregate classification (germline): Uncertain significance (1 of 4 stars; one submission).

Allele frequency attached by ClinVar (database versions not stated): gnomAD exomes 0.00001 and 0.00002; TOPMed 0.00001; ExAC 0.00002.
gnomAD v4.1: 11 of 1,601,544 alleles (0.00069%); highest among the groups gnomAD compares: Non-Finnish European, 0.00077%; no homozygotes.

Submission:

Labcorp Genetics (formerly Invitae), Labcorp
Classification: Uncertain significance. Last evaluated: 2023-07-29. Review status: criteria provided, single submitter. Criteria: Invitae Variant Classification Sherloc (09022015). Collection method: clinical testing. Allele origin: germline.
Comment: This variant is present in population databases (rs781730902, gnomAD 0.004%). In summary, the available evidence is currently insufficient to determine the role of this variant in disease. Therefore, it has been classified as a Variant of Uncertain Significance. Algorithms developed to predict the effect of sequence changes on RNA splicing suggest that this variant may create or strengthen a splice site. An algorithm developed to predict the effect of missense changes on protein structure and function (PolyPhen-2) suggests that this variant¬†is likely to be tolerated. ClinVar contains an entry for this variant (Variation ID: 1439346). This variant has not been reported in the literature in individuals affected with MPDZ-related conditions. This sequence change replaces lysine, which is basic and polar, with arginine, which is basic and polar, at codon 7 of the MPDZ protein (p.Lys7Arg).

NM_001378778.1(MPDZ):c.20A>G (p.Lys7Arg)

Gene: MPDZ (multiple PDZ domain crumbs cell polarity complex component; minus strand). Cytogenetic location: 9p23.
Variant type: single nucleotide variant.
Coding change: c.20A>G on transcript NM_001378778.1 (MANE Select); coding-DNA position 20, A replaced by G.
Protein change: p.Lys7Arg; replaces lysine 7 with arginine.
Molecular consequence: missense variant.
Genome position (GRCh38, 1-based): chr9:13,247,798, T>C on the plus strand (A>G on the coding strand, the complement: MPDZ is on the minus strand). VCF-style: chr9-13247798-T-C. GRCh37 (hg19) VCF-style: chr9-13247797-T-C.
Other names: c.20A>G, p.Lys7Arg (NM_001261406.2, NM_001261407.2, NM_001330637.2 and 14 more transcripts); short protein forms K7R.
Identifiers: ClinVar variation 1439346 (VCV001439346.7), dbSNP rs781730902, ClinGen allele CA4988265.